The following is an entry in ClinVar:

ClinVar aggregate classification (germline): not provided (0 of 4 stars; one submission).

Allele frequency attached by ClinVar (database versions not stated): gnomAD 0.00001 and below 0.00001; TOPMed below 0.00001.
gnomAD v4.1: 23 of 1,337,186 alleles (0.0017%); highest among the groups gnomAD compares: South Asian, 0.023%; no homozygotes.

Submission:

Human Evolutionary Genetics, Institut Pasteur
No classification provided. Review status: no classification provided. Collection method: not provided. Allele origin: germline.
ClinVar note: Converted during submission from untested to not provided.

NC_000019.10:g.55999669G>A

Gene: NLRP5 (NLR family pyrin domain containing 5; plus strand). Cytogenetic location: 19q13.43.
Variant type: single nucleotide variant.
Genome position: GRCh38 VCF-style: chr19-55999669-G-A. GRCh37 (hg19) VCF-style: chr19-56511035-G-A.
Identifiers: ClinVar variation 102989 (VCV000102989.2), dbSNP rs199475761, ClinGen allele CA229955.